The following is an entry in ClinVar:

NM_080424.4(SP110):c.1031G>C (p.Arg344Pro)

Genes: SP140 (SP140 nuclear body protein; plus strand), SP110 (SP110 nuclear body protein; minus strand). Cytogenetic location: 2q37.1.
Variant type: single nucleotide variant.
Coding change: c.1031G>C on transcript NM_080424.4 (MANE Select); coding-DNA position 1031, G replaced by C.
Protein change: p.Arg344Pro; replaces arginine 344 with proline.
Molecular consequence: missense variant. On other transcripts: intron variant (1).
Genome position (GRCh38, 1-based): chr2:230,202,596, C>G on the plus strand (G>C on the coding strand, the complement: SP110 is on the minus strand). VCF-style: chr2-230202596-C-G. GRCh37 (hg19) VCF-style: chr2-231067312-C-G.
Other names: c.1049G>C, p.Arg350Pro (NM_001185015.2, NM_001378442.1, NM_001378444.1 and 2 more transcripts); c.1031G>C, p.Arg344Pro (NM_001378443.1, NM_004509.5, NM_004510.4); c.899-1631G>C (NM_001378447.1); short protein forms R344P, R350P.
Identifiers: ClinVar variation 1064210 (VCV001064210.9), dbSNP rs144163010, ClinGen allele CA66756662.

ClinVar aggregate classification (germline): Uncertain significance (1 of 4 stars; one submission).

Conditions:
Hepatic veno-occlusive disease-immunodeficiency syndrome. Also called: Hepatic Veno-Occlusive Disease with Immunodeficiency. Identifiers: Orphanet 79124, MedGen C1856128, MONDO:0009338, OMIM 235550. Disease mechanism: loss of function.

gnomAD v4.1: 6 of 1,614,184 alleles (0.00037%); highest among the groups gnomAD compares: South Asian, 0.0011%; no homozygotes.

Submission:

Labcorp Genetics (formerly Invitae), Labcorp
Classification: Uncertain significance for Hepatic veno-occlusive disease-immunodeficiency syndrome. Last evaluated: 2025-08-09. Review status: criteria provided, single submitter. Criteria: Invitae Variant Classification Sherloc (09022015). Collection method: clinical testing. Allele origin: germline.
Comment: This sequence change replaces arginine, which is basic and polar, with proline, which is neutral and non-polar, at codon 344 of the SP110 protein (p.Arg344Pro). This variant is not present in population databases (gnomAD no frequency). This variant has not been reported in the literature in individuals affected with SP110-related conditions. ClinVar contains an entry for this variant (Variation ID: 1064210). An algorithm developed to predict the effect of missense changes on protein structure and function outputs the following: PolyPhen-2: "Benign". The proline amino acid residue is found in multiple mammalian species, which suggests that this missense change does not adversely affect protein function. In summary, the available evidence is currently insufficient to determine the role of this variant in disease. Therefore, it has been classified as a Variant of Uncertain Significance.